The following is an entry in ClinVar:

NM_006950.3(SYN1):c.1921A>G (p.Ser641Gly)

Gene: SYN1 (synapsin I; minus strand). Cytogenetic location: Xp11.3.
Variant type: single nucleotide variant.
Coding change: c.1921A>G on transcript NM_006950.3 (MANE Select); coding-DNA position 1921, A replaced by G.
Protein change: p.Ser641Gly; replaces serine 641 with glycine.
Molecular consequence: missense variant.
Genome position (GRCh38, 1-based): chrX:47,574,063, T>C on the plus strand (A>G on the coding strand, the complement: SYN1 is on the minus strand). VCF-style: chrX-47574063-T-C. GRCh37 (hg19) VCF-style: chrX-47433462-T-C.
Other names: c.1921A>G, p.Ser641Gly (NM_133499.2); short protein forms S641G.
Identifiers: ClinVar variation 4681136 (VCV004681136.1).

ClinVar aggregate classification (germline): Uncertain significance (1 of 4 stars; one submission).

gnomAD v4.1: 1 of 1,150,939 alleles (0.000087%); no homozygotes.

Submission:

GeneDx
Classification: Uncertain significance. Last evaluated: 2025-07-02. Review status: criteria provided, single submitter. Criteria: GeneDx Variant Classification Process June 2021. Collection method: clinical testing. Allele origin: germline. Affected: yes.
Comment: Has not been previously published as pathogenic or benign to our knowledge; Not observed at significant frequency in large population cohorts (gnomAD); In silico analysis suggests that this missense variant does not alter protein structure/function